The following is an entry in ClinVar:

NM_006498.3(LGALS2):c.178T>C (p.Leu60=)

Gene: LGALS2 (galectin 2; minus strand). Cytogenetic location: 22q13.1.
Variant type: single nucleotide variant.
Coding change: c.178T>C on transcript NM_006498.3 (MANE Select); coding-DNA position 178, T replaced by C.
Protein change: p.Leu60=; no amino-acid change (leucine 60 retained).
Molecular consequence: synonymous variant.
Genome position (GRCh38, 1-based): chr22:37,570,647, A>G on the plus strand (T>C on the coding strand, the complement: LGALS2 is on the minus strand). VCF-style: chr22-37570647-A-G. GRCh37 (hg19) VCF-style: chr22-37966654-A-G.
Identifiers: ClinVar variation 3034106 (VCV003034106.2), dbSNP rs201214648, ClinGen allele CA10220760.

ClinVar aggregate classification (germline): Likely benign (0 of 4 stars; one submission).

Conditions:
LGALS2-related disorder. Also called: LGALS2-related condition.

Allele frequency attached by ClinVar (database versions not stated): ESP Exome Variant Server 0.00015; gnomAD exomes 0.00018; ExAC 0.00023; gnomAD 0.00054; TOPMed 0.00063.
gnomAD v4.1: 341 of 1,614,242 alleles (0.021%); highest among the groups gnomAD compares: African/African-American, 0.11%; 1 homozygote.

Submission:

PreventionGenetics, part of Exact Sciences
Classification: Likely benign for LGALS2-related condition. Last evaluated: 2020-03-03. Review status: no assertion criteria provided. Collection method: clinical testing. Allele origin: germline.
Comment: This variant is classified as likely benign based on ACMG/AMP sequence variant interpretation guidelines (Richards et al. 2015 PMID: 25741868, with internal and published modifications).